The following is an entry in ClinVar:

NM_031892.3(SH3KBP1):c.1927G>A (p.Glu643Lys)

Gene: SH3KBP1 (SH3 domain containing kinase binding protein 1; minus strand). Cytogenetic location: Xp22.12.
Variant type: single nucleotide variant.
Coding change: c.1927G>A on transcript NM_031892.3 (MANE Select); coding-DNA position 1927, G replaced by A.
Protein change: p.Glu643Lys; replaces glutamic acid 643 with lysine.
Molecular consequence: missense variant.
Genome position (GRCh38, 1-based): chrX:19,537,746, C>T on the plus strand (G>A on the coding strand, the complement: SH3KBP1 is on the minus strand). VCF-style: chrX-19537746-C-T. GRCh37 (hg19) VCF-style: chrX-19555864-C-T.
Other names: c.1816G>A, p.Glu606Lys (NM_001024666.3); c.1213G>A, p.Glu405Lys (NM_001184960.2); c.1798G>A, p.Glu600Lys (NM_001353890.2); c.2002G>A, p.Glu668Lys (NM_001353891.2); c.1873G>A, p.Glu625Lys (NM_001353892.2); c.1825G>A, p.Glu609Lys (NM_001353893.2); c.1696G>A, p.Glu566Lys (NM_001353894.2); c.1753G>A, p.Glu585Lys (NM_001353895.2); and 4 more; short protein forms E600K, E606K, E609K, E625K, E643K, E644K, E668K, E687K.
Identifiers: ClinVar variation 1719061 (VCV001719061.5), dbSNP rs2518774260, ClinGen allele CA412495214.
Genomic context (GRCh38, chrX:19,537,746, plus strand): 5'-CTCACGGGCAGCAGAACCCAAAGGGACGCACCTGCAACCGAAGCCGGATTTTCTTCTCTT[C>T]ATCCAACTCAGACAATAACTGTTTAATCTCTCGTCTGAAAAGCAAATGGCAATGAAATTA-3'
Protein context (NP_114098.1, residues 633-653): EIKQLLSELD[Glu643Lys]EKKIRLRLQM

ClinVar aggregate classification (germline): Uncertain significance (1 of 4 stars; one submission).

Submission:

Labcorp Genetics (formerly Invitae), Labcorp
Classification: Uncertain significance. Last evaluated: 2024-03-04. Review status: criteria provided, single submitter. Criteria: Invitae Variant Classification Sherloc (09022015). Collection method: clinical testing. Allele origin: germline.
Comment: This sequence change replaces glutamic acid, which is acidic and polar, with lysine, which is basic and polar, at codon 643 of the SH3KBP1 protein (p.Glu643Lys). This variant is not present in population databases (gnomAD no frequency). This variant has not been reported in the literature in individuals affected with SH3KBP1-related conditions. ClinVar contains an entry for this variant (Variation ID: 1719061). Advanced modeling of protein sequence and biophysical properties (such as structural, functional, and spatial information, amino acid conservation, physicochemical variation, residue mobility, and thermodynamic stability) performed at Invitae indicates that this missense variant is expected to disrupt SH3KBP1 protein function with a positive predictive value of 80%. In summary, the available evidence is currently insufficient to determine the role of this variant in disease. Therefore, it has been classified as a Variant of Uncertain Significance.